The following is an entry in ClinVar:

NM_018006.5(TRMU):c.-36C>G

Gene: TRMU (tRNA mitochondrial 2-thiouridylase; plus strand). Cytogenetic location: 22q13.31.
Variant type: single nucleotide variant.
Coding change: c.-36C>G on transcript NM_018006.5 (MANE Select); 36 bases upstream of the start codon, C replaced by G.
Molecular consequence: 5 prime UTR variant. On other transcripts: non-coding transcript variant (2).
Genome position (GRCh38, 1-based): chr22:46,335,729, C>G. VCF-style: chr22-46335729-C-G. GRCh37 (hg19) VCF-style: chr22-46731626-C-G.
Other names: c.-271C>G (NM_001282782.2); c.-290C>G (NM_001282783.2, NM_001282784.2); c.-36C>G (NM_001282785.2).
Identifiers: ClinVar variation 384230 (VCV000384230.3), dbSNP rs560661382, ClinGen allele CA10291889.
Genomic context (GRCh38, chr22:46,335,729, plus strand): 5'-CCGGGCCACTAGCGCGGACCCTACGGCCGGGGCGGGACTTCCGGCAAGGCGCGGAAGCGG[C>G]GGTAGCTGCAGCTGGCGAAGTTGGGCGACTGGCGGATGCAGGCCTTGCGGCACGTCGTGT-3'

ClinVar aggregate classification (germline): Likely benign. Review status: criteria provided, multiple submitters, no conflicts (2 of 4 stars). 3 submissions from 3 submitters: Likely benign (3). Last evaluated 2024-10-11.

Conditions:
TRMU-related disorder. Also called: TRMU-related condition.

Allele frequency attached by ClinVar (database versions not stated): gnomAD exomes 0.00013; ExAC 0.00015; 1000 Genomes Project 0.00020; TOPMed 0.00047.
gnomAD v4.1: 129 of 1,540,116 alleles (0.0084%); highest among the groups gnomAD compares: African/African-American, 0.16%; no homozygotes.

Submissions (3):

PreventionGenetics, part of Exact Sciences
Classification: Likely benign for TRMU-related condition. Last evaluated: 2024-10-11. Review status: criteria provided, single submitter. Criteria: ACMG Guidelines, 2015. Collection method: clinical testing. Allele origin: germline.
Comment: This variant is classified as likely benign based on ACMG/AMP sequence variant interpretation guidelines (Richards et al. 2015 PMID: 25741868, with internal and published modifications).

GeneDx
Classification: Likely benign. Last evaluated: 2018-03-05. Review status: criteria provided, single submitter. Criteria: GeneDx Variant Classification (06012015). Collection method: clinical testing. Allele origin: germline. Affected: yes.
Comment: This variant is considered likely benign or benign based on one or more of the following criteria: it is a conservative change, it occurs at a poorly conserved position in the protein, it is predicted to be benign by multiple in silico algorithms, and/or has population frequency not consistent with disease.

Breakthrough Genomics
Classification: Likely benign. Review status: criteria provided, single submitter. Criteria: ACMG Guidelines, 2015. Collection method: not provided. Allele origin: germline. Inheritance: Autosomal dominant inheritance. Affected: yes.